The following is an entry in ClinVar:

NM_016579.4(CD320):c.839C>T (p.Ser280Leu)

Gene: CD320 (CD320 molecule; minus strand). Cytogenetic location: 19p13.2.
Variant type: single nucleotide variant.
Coding change: c.839C>T on transcript NM_016579.4 (MANE Select); coding-DNA position 839, C replaced by T.
Protein change: p.Ser280Leu; replaces serine 280 with leucine.
Molecular consequence: missense variant.
Genome position (GRCh38, 1-based): chr19:8,302,473, G>A on the plus strand (C>T on the coding strand, the complement: CD320 is on the minus strand). VCF-style: chr19-8302473-G-A. GRCh37 (hg19) VCF-style: chr19-8367357-G-A.
Other names: c.713C>T, p.Ser238Leu (NM_001165895.2); short protein forms S238L, S280L.
Identifiers: ClinVar variation 1946206 (VCV001946206.5), dbSNP rs1304619591, ClinGen allele CA403707820.

ClinVar aggregate classification (germline): Uncertain significance (1 of 4 stars; one submission).

Conditions:
Methylmalonic acidemia due to transcobalamin receptor defect (MATR). Also called: METHYLMALONIC ACIDEMIA, TCblR TYPE; METHYLMALONIC ACIDURIA, TRANSIENT, DUE TO TRANSCOBALAMIN RECEPTOR DEFECT. Identifiers: Orphanet 280183, MedGen C4749905, MONDO:0013341, OMIM 613646.

Allele frequency attached by ClinVar (database versions not stated): gnomAD 0.00001; TOPMed 0.00001.
gnomAD v4.1: 5 of 1,614,026 alleles (0.00031%); highest among the groups gnomAD compares: African/African-American, 0.0027%; no homozygotes.

Submission:

Labcorp Genetics (formerly Invitae), Labcorp
Classification: Uncertain significance for Methylmalonic acidemia due to transcobalamin receptor defect. Last evaluated: 2025-02-24. Review status: criteria provided, single submitter. Criteria: Invitae Variant Classification Sherloc (09022015). Collection method: clinical testing. Allele origin: germline.
Comment: This sequence change replaces serine, which is neutral and polar, with leucine, which is neutral and non-polar, at codon 280 of the CD320 protein (p.Ser280Leu). This variant is present in population databases (no rsID available, gnomAD 0.003%). This variant has not been reported in the literature in individuals affected with CD320-related conditions. ClinVar contains an entry for this variant (Variation ID: 1946206). An algorithm developed to predict the effect of missense changes on protein structure and function outputs the following: PolyPhen-2: "Benign". The leucine amino acid residue is found in multiple mammalian species, which suggests that this missense change does not adversely affect protein function. In summary, the available evidence is currently insufficient to determine the role of this variant in disease. Therefore, it has been classified as a Variant of Uncertain Significance.